The following is an entry in ClinVar:

NM_019066.5(MAGEL2):c.3478G>A (p.Val1160Met)

Gene: MAGEL2 (MAGE family member L2; minus strand). Cytogenetic location: 15q11.2.
Variant type: single nucleotide variant.
Coding change: c.3478G>A on transcript NM_019066.5 (MANE Select); coding-DNA position 3478, G replaced by A.
Protein change: p.Val1160Met; replaces valine 1160 with methionine.
Molecular consequence: missense variant.
Genome position (GRCh38, 1-based): chr15:23,644,265, C>T on the plus strand (G>A on the coding strand, the complement: MAGEL2 is on the minus strand). VCF-style: chr15-23644265-C-T. GRCh37 (hg19) VCF-style: chr15-23889412-C-T.
Other names: short protein forms V1160M.
Identifiers: ClinVar variation 2692509 (VCV002692509.1), dbSNP rs2503974040, ClinGen allele CA391323005.

ClinVar aggregate classification (germline): Uncertain significance (1 of 4 stars; one submission).

Submission:

Greenwood Genetic Center Diagnostic Laboratories, Greenwood Genetic Center
Classification: Uncertain significance. Last evaluated: 2023-12-19. Review status: criteria provided, single submitter. Criteria: ACMG Guidelines, 2015. Collection method: clinical testing. Allele origin: germline. Affected: yes.
Comment: PM2